The following is an entry in ClinVar:

NM_004646.4(NPHS1):c.76dup (p.Ile26fs)

Genes: KIRREL2 (kirre like nephrin family adhesion molecule 2; plus strand), NPHS1 (NPHS1 adhesion molecule, nephrin; minus strand). Cytogenetic location: 19q13.12.
Variant type: Duplication.
Coding change: c.76dup on transcript NM_004646.4 (MANE Select); coding-DNA position 76, one base duplicated (A; older notation c.76dupA).
Protein change: p.Ile26fs; shifts the reading frame from isoleucine 26.
Molecular consequence: frameshift variant.
Genome position (GRCh38, 1-based): chr19:35,851,655, T duplicated on the plus strand (A on the coding strand, the reverse complement: NPHS1 is on the minus strand). VCF-style (leftmost placement, unchanged base first): chr19-35851654-A-AT. GRCh37 (hg19) VCF-style: chr19-36342556-A-AT.
Other names: short protein forms I26fs.
Identifiers: ClinVar variation 5011891 (VCV005011891.1).

ClinVar aggregate classification (germline): Pathogenic (1 of 4 stars; one submission).

Conditions:
Finnish congenital nephrotic syndrome (NPHS1). Also called: NEPHROTIC SYNDROME, TYPE 1. Identifiers: Orphanet 839, MedGen C0403399, MONDO:0009732, OMIM 256300.

Submission:

Myriad Genetics, Inc.
Classification: Pathogenic for Finnish congenital nephrotic syndrome. Last evaluated: 2023-09-27. Review status: criteria provided, single submitter. Criteria: Myriad Autosomal Dominant, Autosomal Recessive and X-Linked Classification Criteria (2023). Collection method: clinical testing. Allele origin: unknown.
Comment: NM_004646.3(NPHS1):c.76dupA(I26Nfs*14) is expected to be pathogenic in the context of nephrotic syndrome, NPHS1-related. This variant is predicted to lead to an abnormal or absent protein product due to the creation of a premature termination codon in NPHS1, a gene where loss-of-function variants are known to be pathogenic. Please note: this variant was assessed in the context of healthy population screening.